The following is an entry in ClinVar:

ClinVar aggregate classification (germline): Uncertain significance. Review status: criteria provided, multiple submitters, no conflicts (2 of 4 stars). 3 submissions from 3 submitters: Uncertain significance (3). Last evaluated 2023-04-11.

Conditions:
Pyridoxine-dependent epilepsy (EPEO4). Also called: Pyridoxine-Dependent Epilepsy - ALDH7A1; EPILEPSY, EARLY-ONSET, 4, VITAMIN B6-DEPENDENT; PYRIDOXINE DEPENDENCY WITH SEIZURES; Pyridoxine-Dependent Seizures. Identifiers: Orphanet 3006, MedGen C1849508, MONDO:0009945, OMIM 266100. Disease mechanism: loss of function.

gnomAD v4.1: 2 of 1,613,844 alleles (0.00012%); highest among the groups gnomAD compares: Admixed American, 0.0033%; no homozygotes.

Submissions (3):

Genome-Nilou Lab
Classification: Uncertain significance for Pyridoxine-dependent epilepsy. Last evaluated: 2023-04-11. Review status: criteria provided, single submitter. Criteria: ACMG Guidelines, 2015. Collection method: clinical testing. Allele origin: germline. Affected: no.

Labcorp Genetics (formerly Invitae), Labcorp
Classification: Uncertain significance for Pyridoxine-dependent epilepsy. Last evaluated: 2021-08-28. Review status: criteria provided, single submitter. Criteria: Invitae Variant Classification Sherloc (09022015). Collection method: clinical testing. Allele origin: germline.
Comment: This sequence change replaces threonine with isoleucine at codon 332 of the ALDH7A1 protein (p.Thr332Ile). The threonine residue is highly conserved and there is a moderate physicochemical difference between threonine and isoleucine. This variant is not present in population databases (ExAC no frequency). This variant has not been reported in the literature in individuals affected with ALDH7A1-related conditions. ClinVar contains an entry for this variant (Variation ID: 625885). Advanced modeling of protein sequence and biophysical properties (such as structural, functional, and spatial information, amino acid conservation, physicochemical variation, residue mobility, and thermodynamic stability) performed at Invitae indicates that this missense variant is expected to disrupt ALDH7A1 protein function. In summary, the available evidence is currently insufficient to determine the role of this variant in disease. Therefore, it has been classified as a Variant of Uncertain Significance.

Center for Genomics, Ann and Robert H. Lurie Children's Hospital of Chicago
Classification: Uncertain significance for Pyridoxine-dependent epilepsy. Last evaluated: 2021-03-30. Review status: criteria provided, single submitter. Criteria: ACMG Guidelines, 2015. Collection method: clinical testing. Allele origin: germline.
Comment: ALDH7A1 NM_001182 exon 11 p.Thr332Ile (c.995C>T): This variant has not been reported in the literature but is present in 1/33560 Latino alleles in the Genome Aggregation Database. Evolutionary conservation and computational predictive tools suggest that this variant may impact the protein. In summary, data on this variant is insufficient for disease classification. Therefore, the clinical significance of this variant is uncertain.

NM_001182.5(ALDH7A1):c.995C>T (p.Thr332Ile)

Gene: ALDH7A1 (aldehyde dehydrogenase 7 family member A1; minus strand). Cytogenetic location: 5q23.2.
Variant type: single nucleotide variant.
Coding change: c.995C>T on transcript NM_001182.5 (MANE Select); coding-DNA position 995, C replaced by T.
Protein change: p.Thr332Ile; replaces threonine 332 with isoleucine.
Molecular consequence: missense variant.
Genome position (GRCh38, 1-based): chr5:126,559,253, G>A on the plus strand (C>T on the coding strand, the complement: ALDH7A1 is on the minus strand). VCF-style: chr5-126559253-G-A. GRCh37 (hg19) VCF-style: chr5-125894945-G-A.
Other names: c.911C>T, p.Thr304Ile (NM_001201377.2); c.995C>T, p.Thr332Ile (NM_001202404.2); short protein forms T332I, T304I.
Identifiers: ClinVar variation 625885 (VCV000625885.7), dbSNP rs543182575, ClinGen allele CA360726590.